The following is an entry in ClinVar:

ClinVar aggregate classification (germline): Uncertain significance. Review status: criteria provided, multiple submitters, no conflicts (2 of 4 stars). 2 submissions from 2 submitters: Uncertain significance (2). Last evaluated 2026-04-14.

Conditions:
Werner syndrome (WRN). Identifiers: Orphanet 902, MedGen C0043119, MONDO:0010196, OMIM 277700.

Allele frequency attached by ClinVar (database versions not stated): gnomAD 0.00001.
gnomAD v4.1: 1 of 1,613,642 alleles (0.000062%); highest among the groups gnomAD compares: African/African-American, 0.0013%; no homozygotes.

Submissions (2):

Women's Health and Genetics/Laboratory Corporation of America, LabCorp
Classification: Uncertain significance. Last evaluated: 2026-04-14. Review status: criteria provided, single submitter. Criteria: LabCorp Variant Classification Summary - May 2015. Collection method: clinical testing. Allele origin: germline.

Labcorp Genetics (formerly Invitae), Labcorp
Classification: Uncertain significance for Werner syndrome. Last evaluated: 2023-04-06. Review status: criteria provided, single submitter. Criteria: Invitae Variant Classification Sherloc (09022015). Collection method: clinical testing. Allele origin: germline.
Comment: This sequence change falls in intron 19 of the WRN gene. It does not directly change the encoded amino acid sequence of the WRN protein. It affects a nucleotide within the consensus splice site. This variant is not present in population databases (gnomAD no frequency). This variant has not been reported in the literature in individuals affected with WRN-related conditions. ClinVar contains an entry for this variant (Variation ID: 953703). Variants that disrupt the consensus splice site are a relatively common cause of aberrant splicing (PMID: 17576681, 9536098). Algorithms developed to predict the effect of sequence changes on RNA splicing suggest that this variant is not likely to affect RNA splicing. In summary, the available evidence is currently insufficient to determine the role of this variant in disease. Therefore, it has been classified as a Variant of Uncertain Significance.

Literature cited by the submitters: PubMed 17576681 (cited by Labcorp Genetics (formerly Invitae), Labcorp); PubMed 9536098 (cited by Labcorp Genetics (formerly Invitae), Labcorp).

NM_000553.6(WRN):c.2273+4A>G

Gene: WRN (WRN RecQ like helicase; plus strand). Cytogenetic location: 8p12.
Variant type: single nucleotide variant.
Coding change: c.2273+4A>G on transcript NM_000553.6 (MANE Select); 4 bases into the intron after coding-DNA position 2273, A replaced by G.
Molecular consequence: intron variant.
Genome position (GRCh38, 1-based): chr8:31,111,803, A>G. VCF-style: chr8-31111803-A-G. GRCh37 (hg19) VCF-style: chr8-30969319-A-G.
Identifiers: ClinVar variation 953703 (VCV000953703.7), dbSNP rs1801330235, ClinGen allele CA1112397794.
Genomic context (GRCh38, chr8:31,111,803, plus strand): 5'-TAGGCGAAAAACAGGGAATATCCTTCAGGATCTGCAGCCATTTCTTGTCAAAACAAGGTA[A>G]GGATTTAATGGTTGATGAATTTTGGTAATGATTTCCTTTTTTTTTTTTTAACAACTTATG-3'